The following is an entry in ClinVar:

NM_000051.4(ATM):c.8461A>G (p.Met2821Val)

Genes: ATM (ATM serine/threonine kinase; plus strand), C11orf65 (chromosome 11 open reading frame 65; minus strand). Cytogenetic location: 11q22.3.
Variant type: single nucleotide variant.
Coding change: c.8461A>G on transcript NM_000051.4 (MANE Select); coding-DNA position 8461, A replaced by G.
Protein change: p.Met2821Val; replaces methionine 2821 with valine.
Molecular consequence: missense variant. On other transcripts: intron variant (2).
Genome position (GRCh38, 1-based): chr11:108,345,785, A>G. VCF-style: chr11-108345785-A-G. GRCh37 (hg19) VCF-style: chr11-108216512-A-G.
Other names: c.8461A>G, p.Met2821Val (NM_001351834.2); c.641-36714T>C (NM_001330368.2); c.695-10493T>C (NM_001351110.2); short protein forms M2821V.
Identifiers: ClinVar variation 232931 (VCV000232931.18), dbSNP rs876660081, ClinGen allele CA10579299.
Genomic context (GRCh38, chr11:108,345,785, plus strand): 5'-TATATTCTCTATTTAAAGGAGGTGCAAAAAAAGTCTTTTGAAGAGAAATATGAAGTCTTC[A>G]TGGATGTTTGCCAAAATTTTCAACCAGTTTTCCGTTACTTCTGCATGGAAAAATTCTTGG-3'
Protein context (NP_000042.3, residues 2811-2831): KSFEEKYEVF[Met2821Val]DVCQNFQPVF

ClinVar aggregate classification (germline): Uncertain significance. Review status: criteria provided, multiple submitters, no conflicts (2 of 4 stars). 5 submissions from 5 submitters: Uncertain significance (5). Last evaluated 2025-03-02.

Conditions:
Hereditary cancer-predisposing syndrome. Also called: Neoplastic Syndromes, Hereditary; Hereditary neoplastic syndrome; Tumor predisposition; Hereditary Cancer Syndrome. Identifiers: Orphanet 140162, MedGen C0027672, MeSH D009386, MONDO:0015356.
Familial cancer of breast. Also called: hereditary breast carcinoma; Hereditary breast cancer; BREAST CANCER, FAMILIAL. Identifiers: Orphanet 227535, MedGen C0346153, MONDO:0016419, OMIM 114480. Disease mechanism: loss of function.
Ataxia-telangiectasia syndrome (AT). Also called: Ataxia telangiectasia (A-T); Cerebello-oculocutaneous telangiectasia; Immunodeficiency with ataxia telangiectasia; LOUIS-BAR SYNDROME; AT, COMPLEMENTATION GROUP C; ATAXIA-TELANGIECTASIA, FRESNO VARIANT. Identifiers: Orphanet 100, MedGen C0004135, MONDO:0008840, OMIM 208900.

Allele frequency attached by ClinVar (database versions not stated): gnomAD 0.00001; TOPMed 0.00001; gnomAD exomes below 0.00001.
gnomAD v4.1: 2 of 1,613,676 alleles (0.00012%); highest among the groups gnomAD compares: Non-Finnish European, 0.000085%; no homozygotes.

Submissions (5):

Labcorp Genetics (formerly Invitae), Labcorp
Classification: Uncertain significance for Ataxia-telangiectasia syndrome. Last evaluated: 2025-03-02. Review status: criteria provided, single submitter. Criteria: Invitae Variant Classification Sherloc (09022015). Collection method: clinical testing. Allele origin: germline.
Comment: This sequence change replaces methionine, which is neutral and non-polar, with valine, which is neutral and non-polar, at codon 2821 of the ATM protein (p.Met2821Val). This variant is present in population databases (no rsID available, gnomAD 0.004%). This variant has not been reported in the literature in individuals affected with ATM-related conditions. ClinVar contains an entry for this variant (Variation ID: 232931). Invitae Evidence Modeling of protein sequence and biophysical properties (such as structural, functional, and spatial information, amino acid conservation, physicochemical variation, residue mobility, and thermodynamic stability) indicates that this missense variant is not expected to disrupt ATM protein function with a negative predictive value of 95%. In summary, the available evidence is currently insufficient to determine the role of this variant in disease. Therefore, it has been classified as a Variant of Uncertain Significance.

Blueprint Genetics
Classification: Uncertain significance. Last evaluated: 2024-05-31. Review status: criteria provided, single submitter. Criteria: ACMG Guidelines, 2015. Collection method: clinical testing. Allele origin: germline.

Color Diagnostics, LLC DBA Color Health
Classification: Uncertain significance for Hereditary cancer-predisposing syndrome. Last evaluated: 2024-03-06. Review status: criteria provided, single submitter. Criteria: ACMG Guidelines, 2015. Collection method: clinical testing. Allele origin: germline.
Comment: This missense variant replaces methionine with valine at codon 2821 of the ATM protein. Computational prediction suggests that this variant may not impact protein structure and function (internally defined REVEL score threshold <= 0.5, PMID: 27666373). Splice site prediction tools suggest that this variant may not impact RNA splicing. To our knowledge, functional studies have not been performed for this variant. This variant has not been reported in individuals affected with hereditary cancer in the literature. This variant has been identified in 1/251296 chromosomes in the general population by the Genome Aggregation Database (gnomAD). The available evidence is insufficient to determine the role of this variant in disease conclusively. Therefore, this variant is classified as a Variant of Uncertain Significance.

Baylor Genetics
Classification: Uncertain significance for Familial cancer of breast. Last evaluated: 2024-02-02. Review status: criteria provided, single submitter. Criteria: ACMG Guidelines, 2015. Collection method: clinical testing. Allele origin: unknown.

Ambry Genetics
Classification: Uncertain significance for Hereditary cancer-predisposing syndrome. Last evaluated: 2024-01-19. Review status: criteria provided, single submitter. Criteria: Ambry Variant Classification Scheme 2023. Collection method: clinical testing. Allele origin: germline.
Comment: The p.M2821V variant (also known as c.8461A>G), located in coding exon 57 of the ATM gene, results from an A to G substitution at nucleotide position 8461. The methionine at codon 2821 is replaced by valine, an amino acid with highly similar properties. This amino acid position is not well conserved in available vertebrate species. In addition, this alteration is predicted to be tolerated by in silico analysis.Since supporting evidence is limited at this time, the clinical significance of this alteration remains unclear.